The following is an entry in ClinVar:

NM_153252.5(BRWD3):c.814-5_814-4dup

Gene: BRWD3 (bromodomain and WD repeat domain containing 3; minus strand). Cytogenetic location: Xq21.1.
Variant type: Duplication.
Coding change: c.814-5_814-4dup on transcript NM_153252.5 (MANE Select); 5 bases into the intron before coding-DNA position 814 through 4 bases into the intron before coding-DNA position 814, 2 bases duplicated (TT; older notation c.814-5_814-4dupTT).
Molecular consequence: intron variant.
Genome position (GRCh38, 1-based): chrX:80,736,092-80,736,093, AA duplicated on the plus strand (TT on the coding strand, the reverse complement: BRWD3 is on the minus strand); duplicating any 2 consecutive bases within chrX:80,736,092-80,736,104 gives the same sequence; the c. name uses the placement nearest the transcript's 3' end. VCF-style (leftmost placement, unchanged base first): chrX-80736091-T-TAA. GRCh37 (hg19) VCF-style: chrX-79991590-T-TAA.
Identifiers: ClinVar variation 3042910 (VCV003042910.2), dbSNP rs751020595, ClinGen allele CA642484718.

ClinVar aggregate classification (germline): Likely benign (0 of 4 stars; one submission).

Conditions:
BRWD3-related disorder. Also called: BRWD3-related condition.

Submission:

PreventionGenetics, part of Exact Sciences
Classification: Likely benign for BRWD3-related condition. Last evaluated: 2020-07-02. Review status: no assertion criteria provided. Collection method: clinical testing. Allele origin: germline.
Comment: This variant is classified as likely benign based on ACMG/AMP sequence variant interpretation guidelines (Richards et al. 2015 PMID: 25741868, with internal and published modifications).